The following is an entry in ClinVar:

NM_000548.5(TSC2):c.4132C>A (p.Pro1378Thr)

Gene: TSC2 (TSC complex subunit 2; plus strand). Cytogenetic location: 16p13.3.
Variant type: single nucleotide variant.
Coding change: c.4132C>A on transcript NM_000548.5 (MANE Select); coding-DNA position 4132, C replaced by A.
Protein change: p.Pro1378Thr; replaces proline 1378 with threonine.
Molecular consequence: missense variant.
Genome position (GRCh38, 1-based): chr16:2,084,354, C>A. VCF-style: chr16-2084354-C-A. GRCh37 (hg19) VCF-style: chr16-2134355-C-A.
Other names: c.3931C>A, p.Pro1311Thr (NM_001077183.3); c.4063C>A, p.Pro1355Thr (NM_001114382.3); c.3823C>A, p.Pro1275Thr (NM_001318827.2); c.3787C>A, p.Pro1263Thr (NM_001318829.2); c.3400C>A, p.Pro1134Thr (NM_001318831.2); c.3964C>A, p.Pro1322Thr (NM_001318832.2); c.3934C>A, p.Pro1312Thr (NM_001363528.2); c.4000C>A, p.Pro1334Thr (NM_001370404.1); and 1 more; short protein forms P1263T, P1312T, P1334T, P1355T, P1275T, P1134T, P1311T, P1322T.
Identifiers: ClinVar variation 1372965 (VCV001372965.9), dbSNP rs1060500921, ClinGen allele CA394299601.
Genomic context (GRCh38, chr16:2,084,354, plus strand): 5'-CCCATCGAGCGAGTCGTCTCCTCGGAGGGTGGCCGGCCCTCTGTGGACCTCTCCTTCCAG[C>A]CCTCGCAGCCCCTGAGCAAGTCCAGCTCCTCTCCCGAGCTGCAGACTCTGCAGGACATCC-3'
Protein context (NP_000539.2, residues 1368-1388): GRPSVDLSFQ[Pro1378Thr]SQPLSKSSSS

ClinVar aggregate classification (germline): Uncertain significance. Review status: criteria provided, multiple submitters, no conflicts (2 of 4 stars). 2 submissions from 2 submitters: Uncertain significance (2). Last evaluated 2025-08-17.

Conditions:
Tuberous sclerosis 2 (TSC2). Identifiers: Orphanet 805, MedGen C1860707, MONDO:0013199, OMIM 613254.
Hereditary cancer-predisposing syndrome. Also called: Hereditary neoplastic syndrome; Hereditary Cancer Syndrome; Neoplastic Syndromes, Hereditary; Tumor predisposition. Identifiers: Orphanet 140162, MedGen C0027672, MeSH D009386, MONDO:0015356.

Submissions (2):

Labcorp Genetics (formerly Invitae), Labcorp
Classification: Uncertain significance for Tuberous sclerosis 2. Last evaluated: 2025-08-17. Review status: criteria provided, single submitter. Criteria: Invitae Variant Classification Sherloc (09022015). Collection method: clinical testing. Allele origin: germline.
Comment: This sequence change replaces proline, which is neutral and non-polar, with threonine, which is neutral and polar, at codon 1378 of the TSC2 protein (p.Pro1378Thr). This variant is not present in population databases (gnomAD no frequency). This variant has not been reported in the literature in individuals affected with TSC2-related conditions. ClinVar contains an entry for this variant (Variation ID: 1372965). Invitae Evidence Modeling of protein sequence and biophysical properties (such as structural, functional, and spatial information, amino acid conservation, physicochemical variation, residue mobility, and thermodynamic stability) indicates that this missense variant is not expected to disrupt TSC2 protein function with a negative predictive value of 95%. In summary, the available evidence is currently insufficient to determine the role of this variant in disease. Therefore, it has been classified as a Variant of Uncertain Significance.

Ambry Genetics
Classification: Uncertain significance for Hereditary cancer-predisposing syndrome. Last evaluated: 2025-07-29. Review status: criteria provided, single submitter. Criteria: Ambry Variant Classification Scheme 2023. Collection method: clinical testing. Allele origin: germline.
Comment: The p.P1378T variant (also known as c.4132C>A), located in coding exon 33 of the TSC2 gene, results from a C to A substitution at nucleotide position 4132. The proline at codon 1378 is replaced by threonine, an amino acid with highly similar properties. This amino acid position is well conserved in available vertebrate species. In addition, the in silico prediction for this alteration is inconclusive. Since supporting evidence is limited at this time, the clinical significance of this alteration remains unclear.